The following is an entry in ClinVar:

ClinVar aggregate classification (germline): Uncertain significance. Review status: criteria provided, single submitter (1 of 4 stars). 2 submissions from 2 submitters: Uncertain significance (1). 1 of the submissions does not count toward it. Last evaluated 2021-09-01.

Conditions:
BBS12-related disorder. Also called: BBS12-related condition.
Bardet-Biedl syndrome (BBS). Identifiers: Orphanet 110, MedGen C0752166, MONDO:0015229.

Allele frequency attached by ClinVar (database versions not stated): gnomAD 0.00001 and 0.00003; TOPMed 0.00004.

Submissions (2):

Labcorp Genetics (formerly Invitae), Labcorp
Classification: Uncertain significance for Bardet-Biedl syndrome. Last evaluated: 2021-09-01. Review status: criteria provided, single submitter. Criteria: Invitae Variant Classification Sherloc (09022015). Collection method: clinical testing. Allele origin: germline.
Comment: This sequence change replaces serine with arginine at codon 645 of the BBS12 protein (p.Ser645Arg). The serine residue is highly conserved and there is a moderate physicochemical difference between serine and arginine. This variant is not present in population databases (ExAC no frequency). This variant has not been reported in the literature in individuals affected with BBS12-related conditions. Algorithms developed to predict the effect of missense changes on protein structure and function are either unavailable or do not agree on the potential impact of this missense change (SIFT: "Tolerated"; PolyPhen-2: "Probably Damaging"; Align-GVGD: "Class C0"). In summary, the available evidence is currently insufficient to determine the role of this variant in disease. Therefore, it has been classified as a Variant of Uncertain Significance.

PreventionGenetics, part of Exact Sciences
Classification: Uncertain significance for BBS12-related condition. Last evaluated: 2024-04-06. Review status: no assertion criteria provided. Collection method: clinical testing. Allele origin: germline. Not counted in ClinVar's aggregate classification.
Comment: The BBS12 c.1935T>G variant is predicted to result in the amino acid substitution p.Ser645Arg. To our knowledge, this variant has not been reported in the literature or in a large population database, indicating this variant is rare. At this time, the clinical significance of this variant is uncertain due to the absence of conclusive functional and genetic evidence.

NM_152618.3(BBS12):c.1935T>G (p.Ser645Arg)

Gene: BBS12 (Bardet-Biedl syndrome 12; plus strand). Cytogenetic location: 4q27.
Variant type: single nucleotide variant.
Coding change: c.1935T>G on transcript NM_152618.3 (MANE Select); coding-DNA position 1935, T replaced by G.
Protein change: p.Ser645Arg; replaces serine 645 with arginine.
Molecular consequence: missense variant.
Genome position (GRCh38, 1-based): chr4:122,743,827, T>G. VCF-style: chr4-122743827-T-G. GRCh37 (hg19) VCF-style: chr4-123664982-T-G.
Other names: c.1935T>G (NM_152618.2); c.1935T>G, p.Ser645Arg (NM_001178007.2); short protein forms S645R.
Identifiers: ClinVar variation 1516544 (VCV001516544.6), dbSNP rs905750251, ClinGen allele CA105249234.